The following is an entry in ClinVar:

NM_006363.6(SEC23B):c.983dup (p.Ala329fs)

Gene: SEC23B (SEC23 homolog B, COPII component; plus strand). Cytogenetic location: 20p11.23.
Variant type: Duplication.
Coding change: c.983dup on transcript NM_006363.6 (MANE Select); coding-DNA position 983, one base duplicated (A; older notation c.983dupA).
Protein change: p.Ala329fs; shifts the reading frame from alanine 329.
Molecular consequence: frameshift variant.
Genome position (GRCh38, 1-based): chr20:18,526,521, A duplicated; the last of 5 consecutive A bases (chr20:18,526,517-18,526,521); duplicating any one gives the same sequence. VCF-style (leftmost placement, unchanged base first): chr20-18526516-G-GA. GRCh37 (hg19) VCF-style: chr20-18507160-G-GA.
Other names: c.983dup, p.Ala329fs (NM_001172745.3, NM_032985.6, NM_032986.5); c.929dup, p.Ala311fs (NM_001172746.3); short protein forms A329fs, A311fs.
Identifiers: ClinVar variation 2945496 (VCV002945496.3), dbSNP rs2517475620, ClinGen allele CA2740097034.

ClinVar aggregate classification (germline): Pathogenic (1 of 4 stars; one submission).

Conditions:
Congenital dyserythropoietic anemia, type II (CDAN2). Also called: DYSERYTHROPOIETIC ANEMIA, HEMPAS TYPE. Identifiers: Orphanet 98873, MedGen C1306589, MONDO:0009134, OMIM 224100.
Cowden syndrome 7 (CWS7). Identifiers: Orphanet 201, MedGen C4225179, MONDO:0014802, OMIM 616858.

Submission:

Labcorp Genetics (formerly Invitae), Labcorp
Classification: Pathogenic for Congenital dyserythropoietic anemia, type II; Cowden syndrome 7. Last evaluated: 2023-03-19. Review status: criteria provided, single submitter. Criteria: Invitae Variant Classification Sherloc (09022015). Collection method: clinical testing. Allele origin: germline.
Comment: This variant has not been reported in the literature in individuals affected with SEC23B-related conditions. This variant is not present in population databases (gnomAD no frequency). This sequence change creates a premature translational stop signal (p.Ala329Glyfs*6) in the SEC23B gene. It is expected to result in an absent or disrupted protein product. Loss-of-function variants in SEC23B are known to be pathogenic (PMID: 19561605, 25044164). For these reasons, this variant has been classified as Pathogenic.

Literature cited by the submitters: PubMed 19561605; PubMed 25044164.